The following is an entry in ClinVar:

ClinVar aggregate classification (germline): Benign/Likely benign. Review status: criteria provided, multiple submitters, no conflicts (2 of 4 stars). 5 submissions from 5 submitters: Benign (2); Likely benign (3). Last evaluated 2026-01-27.

Allele frequency attached by ClinVar (database versions not stated): 1000 Genomes Project 30x 0.00016; 1000 Genomes Project 0.00020; TOPMed 0.00215; gnomAD 0.00225 and 0.00238; ESP Exome Variant Server 0.00255; ExAC 0.00270.
gnomAD v4.1: 6,514 of 1,609,406 alleles (0.4%); highest among the groups gnomAD compares: Non-Finnish European, 0.5%; 9 homozygotes.

Submissions (5):

Labcorp Genetics (formerly Invitae), Labcorp
Classification: Benign. Last evaluated: 2026-01-27. Review status: criteria provided, single submitter. Criteria: Invitae Variant Classification Sherloc (09022015). Collection method: clinical testing. Allele origin: germline.

Mayo Clinic Laboratories, Mayo Clinic
Classification: Likely benign. Last evaluated: 2025-12-14. Review status: criteria provided, single submitter. Criteria: ACMG Guidelines, 2015. Collection method: clinical testing. Allele origin: germline. Observed: 3 variant alleles.
Comment: BS1, BP4, BP7

Blueprint Genetics
Classification: Likely benign. Last evaluated: 2024-11-22. Review status: criteria provided, single submitter. Criteria: ACMG Guidelines, 2015. Collection method: clinical testing. Allele origin: germline.

CeGaT Center for Human Genetics Tuebingen
Classification: Likely benign. Last evaluated: 2024-10-01. Review status: criteria provided, single submitter. Criteria: CeGaT Center For Human Genetics Tuebingen Variant Classification Criteria Version 2. Collection method: clinical testing. Allele origin: germline. Affected: yes. Observed: 3 variant alleles.
Comment: LAMA5: BP4, BP7

Breakthrough Genomics
Classification: Benign. Review status: criteria provided, single submitter. Criteria: ACMG Guidelines, 2015. Collection method: not provided. Allele origin: germline. Inheritance: Autosomal recessive inheritance. Affected: yes.

NM_005560.6(LAMA5):c.5790G>A (p.Leu1930=)

Gene: LAMA5 (laminin subunit alpha 5; minus strand). Cytogenetic location: 20q13.33.
Variant type: single nucleotide variant.
Coding change: c.5790G>A on transcript NM_005560.6 (MANE Select); coding-DNA position 5790, G replaced by A.
Protein change: p.Leu1930=; no amino-acid change (leucine 1930 retained).
Molecular consequence: synonymous variant.
Genome position (GRCh38, 1-based): chr20:62,323,835, C>T on the plus strand (G>A on the coding strand, the complement: LAMA5 is on the minus strand). VCF-style: chr20-62323835-C-T. GRCh37 (hg19) VCF-style: chr20-60898891-C-T.
Other names: p.Leu1930=.
Identifiers: ClinVar variation 715271 (VCV000715271.34), dbSNP rs138911913, ClinGen allele CA9942030.